The following is an entry in ClinVar:

NM_201384.3(PLEC):c.885G>A (p.Met295Ile)

Gene: PLEC (plectin; minus strand). Cytogenetic location: 8q24.3.
Variant type: single nucleotide variant.
Coding change: c.885G>A on transcript NM_201384.3 (MANE Select); coding-DNA position 885, G replaced by A.
Protein change: p.Met295Ile; replaces methionine 295 with isoleucine.
Molecular consequence: missense variant.
Genome position (GRCh38, 1-based): chr8:143,934,870, C>T on the plus strand (G>A on the coding strand, the complement: PLEC is on the minus strand). VCF-style: chr8-143934870-C-T. GRCh37 (hg19) VCF-style: chr8-145009038-C-T.
Other names: c.966G>A, p.Met322Ile (NM_000445.5); c.843G>A, p.Met281Ile (NM_201378.4); c.819G>A, p.Met273Ile (NM_201379.3); c.1296G>A, p.Met432Ile (NM_201380.4); c.789G>A, p.Met263Ile (NM_201381.3); c.885G>A, p.Met295Ile (NM_201382.4); c.897G>A, p.Met299Ile (NM_201383.3); short protein forms M263I, M273I, M281I, M295I, M299I, M322I, M432I.
Identifiers: ClinVar variation 386477 (VCV000386477.12), dbSNP rs201041690, ClinGen allele CA4928270.

ClinVar aggregate classification (germline): Conflicting classifications of pathogenicity. Review status: criteria provided, conflicting classifications (1 of 4 stars). 5 submissions from 5 submitters: Uncertain significance (3); Likely benign (2). Last evaluated 2026-05-05.

Conditions:
PLEC-related disorder. Also called: PLEC-related disorders; PLEC-related condition.
Autosomal recessive limb-girdle muscular dystrophy type 2Q (LGMDR17). Also called: MUSCULAR DYSTROPHY, LIMB-GIRDLE, AUTOSOMAL RECESSIVE 17. Identifiers: Orphanet 254361, MedGen C3150989, MONDO:0013390, OMIM 613723.
Epidermolysis bullosa simplex 5B, with muscular dystrophy (EBS5B). Also called: EPIDERMOLYSIS BULLOSA SIMPLEX AND LIMB-GIRDLE MUSCULAR DYSTROPHY; Epidermolysis bullosa simplex with muscular dystrophy. Identifiers: Orphanet 257, MedGen C2931072, MONDO:0009181, OMIM 226670.
Epidermolysis bullosa simplex with nail dystrophy (EBS5D). Identifiers: MedGen C4225309, MONDO:0014661, OMIM 616487.
Epidermolysis bullosa simplex, Ogna type (EBS5A). Also called: Pidermolysis bullosa simplex 5A, Ogna type; EPIDERMOLYSIS BULLOSA SIMPLEX 5A, OGNA TYPE. Identifiers: Orphanet 79401, MedGen C0432317, MONDO:0007555, OMIM 131950.
Epidermolysis bullosa simplex 5C, with pyloric atresia (EBS5C). Also called: PLEC1-Related Epidermolysis Bullosa with Pyloric Atresia; PLEC-Related Epidermolysis Bullosa with Pyloric Atresia; Epidermolysis bullosa simplex with pyloric atresia. Identifiers: Orphanet 158684, MedGen C2677349, MONDO:0012807, OMIM 612138.
Inborn genetic diseases. Identifiers: MedGen C0950123, MeSH D030342.

Allele frequency attached by ClinVar (database versions not stated): 1000 Genomes Project 0.00020; gnomAD 0.00020 and 0.00021; gnomAD exomes 0.00022 and 0.00013; ExAC 0.00009; 1000 Genomes Project 30x 0.00016; ESP Exome Variant Server 0.00016; TOPMed 0.00017.
gnomAD v4.1: 336 of 1,611,496 alleles (0.021%); highest among the groups gnomAD compares: Non-Finnish European, 0.028%; no homozygotes.

Submissions (5):

PreventionGenetics, part of Exact Sciences
Classification: Uncertain significance for PLEC-related condition. Last evaluated: 2026-05-05. Review status: criteria provided, single submitter. Criteria: ACMG Guidelines, 2015. Collection method: clinical testing. Allele origin: germline.
Comment: The PLEC c.966G>A variant is predicted to result in the amino acid substitution p.Met322Ile. To our knowledge, this variant has not been reported in the literature. This variant is reported in 0.024% of alleles in individuals of European (Non-Finnish) descent in gnomAD. At this time, the clinical significance of this variant is uncertain due to the absence of conclusive functional and genetic evidence.

Labcorp Genetics (formerly Invitae), Labcorp
Classification: Uncertain significance for Autosomal recessive limb-girdle muscular dystrophy type 2Q; Epidermolysis bullosa simplex, Ogna type; Epidermolysis bullosa simplex with nail dystrophy; Epidermolysis bullosa simplex 5C, with pyloric atresia; Epidermolysis bullosa simplex 5B, with muscular dystrophy. Last evaluated: 2026-02-01. Review status: criteria provided, single submitter. Criteria: Invitae Variant Classification Sherloc (09022015). Collection method: clinical testing. Allele origin: germline.
Comment: This sequence change replaces methionine, which is neutral and non-polar, with isoleucine, which is neutral and non-polar, at codon 322 of the PLEC protein (p.Met322Ile). This variant is present in population databases (rs201041690, gnomAD 0.02%). This variant has not been reported in the literature in individuals affected with PLEC-related conditions. ClinVar contains an entry for this variant (Variation ID: 386477). An algorithm developed to predict the effect of missense changes on protein structure and function outputs the following: PolyPhen-2: "Not Available". The isoleucine amino acid residue is found in multiple mammalian species, which suggests that this missense change does not adversely affect protein function. In summary, the available evidence is currently insufficient to determine the role of this variant in disease. Therefore, it has been classified as a Variant of Uncertain Significance.

Revvity Omics, Revvity
Classification: Uncertain significance. Last evaluated: 2024-06-19. Review status: criteria provided, single submitter. Criteria: ACMG Guidelines, 2015. Collection method: clinical testing. Allele origin: germline.

Ambry Genetics
Classification: Likely benign for Inborn genetic diseases. Last evaluated: 2022-12-13. Review status: criteria provided, single submitter. Criteria: Ambry Variant Classification Scheme 2023. Collection method: clinical testing. Allele origin: germline.

GeneDx
Classification: Likely benign. Last evaluated: 2019-03-07. Review status: criteria provided, single submitter. Criteria: GeneDx Variant Classification Process June 2021. Collection method: clinical testing. Allele origin: germline. Affected: yes.